The following is an entry in ClinVar:

ClinVar aggregate classification (germline): Uncertain significance (1 of 4 stars; one submission).

Conditions:
Symmetrical dyschromatosis of extremities (DSH). Also called: RETICULATE ACROPIGMENTATION OF DOHI; DYSCHROMATOSIS SYMMETRICA HEREDITARIA 1; SYMMETRIC DYSCHROMATOSIS OF THE EXTREMITIES; Dyschromatosis symmetrica hereditaria. Identifiers: Orphanet 41, MedGen C0406775, MONDO:0007483, OMIM 127400.
Aicardi-Goutieres syndrome 6 (AGS6). Identifiers: Orphanet 51, MedGen C3539013, MONDO:0014007, OMIM 615010.

Allele frequency attached by ClinVar (database versions not stated): TOPMed 0.00001.
gnomAD v4.1: 4 of 1,614,094 alleles (0.00025%); highest among the groups gnomAD compares: Non-Finnish European, 0.00034%; no homozygotes.

Submission:

Labcorp Genetics (formerly Invitae), Labcorp
Classification: Uncertain significance for Aicardi-Goutieres syndrome 6; Symmetrical dyschromatosis of extremities. Last evaluated: 2022-07-30. Review status: criteria provided, single submitter. Criteria: Invitae Variant Classification Sherloc (09022015). Collection method: clinical testing. Allele origin: germline.
Comment: This sequence change replaces serine, which is neutral and polar, with threonine, which is neutral and polar, at codon 128 of the ADAR protein (p.Ser128Thr). This variant is not present in population databases (gnomAD no frequency). This variant has not been reported in the literature in individuals affected with ADAR-related conditions. Algorithms developed to predict the effect of missense changes on protein structure and function (SIFT, PolyPhen-2, Align-GVGD) all suggest that this variant is likely to be tolerated. Algorithms developed to predict the effect of sequence changes on RNA splicing suggest that this variant may disrupt the consensus splice site. In summary, the available evidence is currently insufficient to determine the role of this variant in disease. Therefore, it has been classified as a Variant of Uncertain Significance.

NM_001111.5(ADAR):c.382T>A (p.Ser128Thr)

Gene: ADAR (adenosine deaminase RNA specific; minus strand). Cytogenetic location: 1q21.3.
Variant type: single nucleotide variant.
Coding change: c.382T>A on transcript NM_001111.5 (MANE Select); coding-DNA position 382, T replaced by A.
Protein change: p.Ser128Thr; replaces serine 128 with threonine.
Molecular consequence: missense variant. On other transcripts: 5 prime UTR variant (3), intron variant (3).
Genome position (GRCh38, 1-based): chr1:154,602,260, A>T on the plus strand (T>A on the coding strand, the complement: ADAR is on the minus strand). VCF-style: chr1-154602260-A-T. GRCh37 (hg19) VCF-style: chr1-154574736-A-T.
Other names: c.-504T>A (NM_001025107.3, NM_001193495.2, NM_001365048.1); c.409T>A, p.Ser137Thr (NM_001365045.1); c.382T>A, p.Ser128Thr (NM_015840.4, NM_015841.4); c.-492-12T>A (NM_001365046.1, NM_001365049.1, NM_001365047.1); short protein forms S137T, S128T.
Identifiers: ClinVar variation 2184545 (VCV002184545.4), dbSNP rs201446735, ClinGen allele CA30810710.